The following is an entry in ClinVar:

ClinVar aggregate classification (germline): Uncertain significance (1 of 4 stars; one submission).

gnomAD v4.1: 5 of 1,612,716 alleles (0.00031%); highest among the groups gnomAD compares: Admixed American, 0.0067%; no homozygotes.

Submission:

Labcorp Genetics (formerly Invitae), Labcorp
Classification: Uncertain significance. Last evaluated: 2020-12-12. Review status: criteria provided, single submitter. Criteria: Invitae Variant Classification Sherloc (09022015). Collection method: clinical testing. Allele origin: germline.
Comment: This sequence change replaces methionine with valine at codon 62 of the EPS8L2 protein (p.Met62Val). The methionine residue is moderately conserved and there is a small physicochemical difference between methionine and valine. This variant is not present in population databases (ExAC no frequency). This variant has not been reported in the literature in individuals with EPS8L2-related conditions. Algorithms developed to predict the effect of missense changes on protein structure and function are either unavailable or do not agree on the potential impact of this missense change (SIFT: "Tolerated"; PolyPhen-2: "Possibly Damaging"; Align-GVGD: "Class C0"). In summary, the available evidence is currently insufficient to determine the role of this variant in disease. Therefore, it has been classified as a Variant of Uncertain Significance.

NM_022772.4(EPS8L2):c.184A>G (p.Met62Val)

Gene: EPS8L2 (EPS8 signaling adaptor L2; plus strand). Cytogenetic location: 11p15.5.
Variant type: single nucleotide variant.
Coding change: c.184A>G on transcript NM_022772.4 (MANE Select); coding-DNA position 184, A replaced by G.
Protein change: p.Met62Val; replaces methionine 62 with valine.
Molecular consequence: missense variant.
Genome position (GRCh38, 1-based): chr11:720,080, A>G. VCF-style: chr11-720080-A-G. GRCh37 (hg19) VCF-style: chr11-720080-A-G.
Other names: short protein forms M62V.
Identifiers: ClinVar variation 1492831 (VCV001492831.8), dbSNP rs780112279, ClinGen allele CA378961303.